The following is an entry in ClinVar:

NM_018979.4(WNK1):c.1748dup (p.Gln584fs)

Gene: WNK1 (WNK lysine deficient protein kinase 1; plus strand). Cytogenetic location: 12p13.33.
Variant type: Duplication.
Coding change: c.1748dup on transcript NM_018979.4 (MANE Select); coding-DNA position 1748, one base duplicated (A; older notation c.1748dupA).
Protein change: p.Gln584fs; shifts the reading frame from glutamine 584.
Molecular consequence: frameshift variant.
Genome position (GRCh38, 1-based): chr12:861,140, A duplicated; the last of 10 consecutive A bases (chr12:861,131-861,140); duplicating any one gives the same sequence. VCF-style (leftmost placement, unchanged base first): chr12-861130-G-GA. GRCh37 (hg19) VCF-style: chr12-970296-G-GA.
Other names: c.1748dup, p.Gln584fs (NM_001184985.2, NM_014823.3, NM_213655.5); short protein forms Q584fs.
Identifiers: ClinVar variation 2681775 (VCV002681775.2), dbSNP rs746484082.

ClinVar aggregate classification (germline): Likely pathogenic (1 of 4 stars; one submission).

Conditions:
Pseudohypoaldosteronism type 2C (PHA2C). Also called: Pseudohypoaldosteronism Type IIC. Identifiers: Orphanet 757, Orphanet 88940, MedGen C1840391, MONDO:0013778, OMIM 614492.

Submission:

Precision Medicine Center, Zhengzhou University
Classification: Likely pathogenic for Pseudohypoaldosteronism type 2C. Last evaluated: 2023-12-01. Review status: criteria provided, single submitter. Criteria: ACMG Guidelines, 2015. Collection method: clinical testing. Allele origin: maternal. Affected: no.
Comment: PVS1,PM2_p